The following is an entry in ClinVar:

NM_172351.3(CD46):c.476-6_476-5delinsG

Gene: CD46 (CD46 molecule; plus strand). Cytogenetic location: 1q32.2.
Variant type: Indel.
Coding change: c.476-6_476-5delinsG on transcript NM_172351.3 (MANE Select); 6 bases into the intron before coding-DNA position 476 through 5 bases into the intron before coding-DNA position 476, TT replaced by G.
Molecular consequence: intron variant.
Genome position (GRCh38, 1-based): chr1:207,761,243-207,761,244, TT replaced by G. VCF-style: chr1-207761243-TT-G. GRCh37 (hg19) VCF-style: chr1-207934588-TT-G.
Other names: c.476-6_476-5delinsG (NM_002389.4, NM_172359.3, NM_153826.4 and 8 more transcripts).
Identifiers: ClinVar variation 988104 (VCV000988104.2), dbSNP rs1656165500, ClinGen allele CA2483520544.

ClinVar aggregate classification (germline): Uncertain significance. Review status: criteria provided, single submitter (1 of 4 stars). 2 submissions from 2 submitters: Uncertain significance (1). 1 of the submissions does not count toward it. Last evaluated 2022-05-18.

Conditions:
Atypical hemolytic-uremic syndrome. Identifiers: Orphanet 2134, MedGen C2931788, MONDO:0016244.
Atypical hemolytic-uremic syndrome with MCP/CD46 anomaly. Also called: HEMOLYTIC UREMIC SYNDROME, ATYPICAL, SUSCEPTIBILITY TO, 2; AHUS, SUSCEPTIBILITY TO, 2. Identifiers: Orphanet 2134, MedGen C2752040, MONDO:0013040, OMIM 612922.

Submissions (2):

Fulgent Genetics
Classification: Uncertain significance for Atypical hemolytic-uremic syndrome with MCP/CD46 anomaly. Last evaluated: 2022-05-18. Review status: criteria provided, single submitter. Criteria: ACMG Guidelines, 2015. Collection method: clinical testing. Allele origin: unknown.

Sydney Genome Diagnostics, Children's Hospital Westmead
Classification: Uncertain significance for Atypical hemolytic-uremic syndrome. Last evaluated: 2018-02-22. Review status: no assertion criteria provided. Collection method: clinical testing. Allele origin: unknown. Affected: yes. Observed: 1 variant allele, 1 heterozygote. Not counted in ClinVar's aggregate classification.
Comment: To our knowledge, this variant has not been previously reported in the literature or any disease specific databases. In silico analysis of pathogenicity (through Alamut Visual v.2.8.1) predicts that this variant may affect splicing. This variant is considered to be a variant of uncertain clinical significance (VOUS) according to the ACMG guidelines.